The following is an entry in ClinVar:

NM_001235.5(SERPINH1):c.781G>A (p.Ala261Thr)

Gene: SERPINH1 (serpin family H member 1; plus strand). Cytogenetic location: 11q13.5.
Variant type: single nucleotide variant.
Coding change: c.781G>A on transcript NM_001235.5 (MANE Select); coding-DNA position 781, G replaced by A.
Protein change: p.Ala261Thr; replaces alanine 261 with threonine.
Molecular consequence: missense variant.
Genome position (GRCh38, 1-based): chr11:75,568,998, G>A. VCF-style: chr11-75568998-G-A. GRCh37 (hg19) VCF-style: chr11-75280043-G-A.
Other names: c.781G>A, p.Ala261Thr (NM_001207014.3); short protein forms A261T.
Identifiers: ClinVar variation 3952720 (VCV003952720.2).
Genomic context (GRCh38, chr11:75,568,998, plus strand): 5'-GGCCTCTACAACTACTACGACGACGAGAAGGAAAAGCTGCAAATCGTGGAGATGCCCCTG[G>A]CCCACAAGCTCTCCAGCCTCATCATCCTCATGCCCCATCACGTGGAGCCTCTCGAGCGCC-3'
Protein context (NP_001226.2, residues 251-271): EKLQIVEMPL[Ala261Thr]HKLSSLIILM

ClinVar aggregate classification (germline): Uncertain significance. Review status: criteria provided, multiple submitters, no conflicts (2 of 4 stars). 2 submissions from 2 submitters: Uncertain significance (2). Last evaluated 2025-12-22.

Conditions:
Inborn genetic diseases. Identifiers: MedGen C0950123, MeSH D030342.
SERPINH1-related disorder. Also called: SERPINH1-related condition.

Submissions (2):

PreventionGenetics, part of Exact Sciences
Classification: Uncertain significance for SERPINH1-related condition. Last evaluated: 2025-12-22. Review status: criteria provided, single submitter. Criteria: ACMG Guidelines, 2015. Collection method: clinical testing. Allele origin: germline.
Comment: The SERPINH1 c.781G>A variant is predicted to result in the amino acid substitution p.Ala261Thr. To our knowledge, this variant has not been reported in the literature. This variant is reported in 0.011% of alleles in individuals of Latino descent in gnomAD. At this time, the clinical significance of this variant is uncertain due to the absence of conclusive functional and genetic evidence.

Ambry Genetics
Classification: Uncertain significance for Inborn genetic diseases. Last evaluated: 2025-04-19. Review status: criteria provided, single submitter. Criteria: Ambry Variant Classification Scheme 2023. Collection method: clinical testing. Allele origin: germline.